The following is an entry in ClinVar:

ClinVar aggregate classification (germline): Likely benign. Review status: criteria provided, multiple submitters, no conflicts (2 of 4 stars). 5 submissions from 5 submitters: Likely benign (5). Last evaluated 2026-04-30.

Conditions:
MYH9-related disorder. Identifiers: MedGen C1854520.
Macrothrombocytopenia and granulocyte inclusions with or without nephritis or sensorineural hearing loss (MATINS). Also called: BLEEDING DISORDER, PLATELET-TYPE, 6; MAY-HEGGLIN ANOMALY; SEBASTIAN PLATELET SYNDROME; MACROTHROMBOCYTOPENIA WITH DISPERSED LEUKOCYTIC INCLUSIONS; MACROTHROMBOCYTOPENIA, NEPHRITIS, AND DEAFNESS; MACROTHROMBOCYTOPENIA, NEPHRITIS, DEAFNESS, AND LEUKOCYTE INCLUSIONS. Identifiers: Orphanet 182050, MedGen C5200934, MONDO:0015912, OMIM 155100.
Autosomal dominant nonsyndromic hearing loss 17. Also called: Deafness, autosomal dominant 17; Autosomal dominant nonsyndromic deafness 17. Identifiers: Orphanet 90635, MedGen C1863659, MONDO:0011350, OMIM 603622.

Allele frequency attached by ClinVar (database versions not stated): ExAC 0.00005; gnomAD 0.00005 and 0.00006; gnomAD exomes 0.00005 and 0.00006; TOPMed 0.00007; ESP Exome Variant Server 0.00008.
gnomAD v4.1: 101 of 1,613,856 alleles (0.0063%); highest among the groups gnomAD compares: Middle Eastern, 0.016%; no homozygotes.

Submissions (5):

PreventionGenetics, part of Exact Sciences
Classification: Likely benign for MYH9-related condition. Last evaluated: 2026-04-30. Review status: criteria provided, single submitter. Criteria: ACMG Guidelines, 2015. Collection method: clinical testing. Allele origin: germline.
Comment: This variant is classified as likely benign based on ACMG/AMP sequence variant interpretation guidelines (Richards et al. 2015 PMID: 25741868, with internal and published modifications).

Labcorp Genetics (formerly Invitae), Labcorp
Classification: Likely benign. Last evaluated: 2025-10-17. Review status: criteria provided, single submitter. Criteria: Invitae Variant Classification Sherloc (09022015). Collection method: clinical testing. Allele origin: germline.

Blueprint Genetics
Classification: Likely benign. Last evaluated: 2024-08-19. Review status: criteria provided, single submitter. Criteria: ACMG Guidelines, 2015. Collection method: clinical testing. Allele origin: germline.

Fulgent Genetics
Classification: Likely benign for Macrothrombocytopenia and granulocyte inclusions with or without nephritis or sensorineural hearing loss; Autosomal dominant nonsyndromic hearing loss 17. Last evaluated: 2021-11-02. Review status: criteria provided, single submitter. Criteria: ACMG Guidelines, 2015. Collection method: clinical testing. Allele origin: unknown.

Laboratory for Molecular Medicine, Mass General Brigham Personalized Medicine
Classification: Likely benign. Last evaluated: 2012-04-30. Review status: criteria provided, single submitter. Criteria: LMM Criteria. Collection method: clinical testing. Allele origin: germline. Observed: 1 variant allele.
Comment: Ala1493Ala in Exon 32 of MYH9: This variant is not expected to have clinical sig nificance because it does not alter an amino acid residue, is not located within the splice consensus sequence, and has been identified in 1/7020 European Ameri can chromosomes from a broad population by the NHLBI Exome Sequencing Project (dbSNP rs149271663).

NM_002473.6(MYH9):c.4479G>A (p.Ala1493=)

Gene: MYH9 (myosin heavy chain 9; minus strand). Cytogenetic location: 22q12.3.
Variant type: single nucleotide variant.
Coding change: c.4479G>A on transcript NM_002473.6 (MANE Select); coding-DNA position 4479, G replaced by A.
Protein change: p.Ala1493=; no amino-acid change (alanine 1493 retained).
Molecular consequence: synonymous variant.
Genome position (GRCh38, 1-based): chr22:36,289,163, C>T on the plus strand (G>A on the coding strand, the complement: MYH9 is on the minus strand). VCF-style: chr22-36289163-C-T. GRCh37 (hg19) VCF-style: chr22-36685209-C-T.
Identifiers: ClinVar variation 164433 (VCV000164433.15), dbSNP rs149271663, ClinGen allele CA177081.
Genomic context (GRCh38, chr22:36,289,163, plus strand): 5'-CTTGGAGCTCATAAGGTCCTCCATCTCCGTGCGGAACTGCTTGTTGAGCCGCTCCAGCTC[C>T]GCCTTCTGCTCCATGGCTTCCTCCAGGGCCCGGGCCAGCGACAGAGCCTTGGTCTCCTTC-3'
Protein context (NP_002464.1, residues 1483-1503): RALEEAMEQK[Ala1493=]ELERLNKQFR